The following is an entry in ClinVar:

ClinVar aggregate classification (germline): Uncertain significance. Review status: criteria provided, multiple submitters, no conflicts (2 of 4 stars). 2 submissions from 2 submitters: Uncertain significance (2). Last evaluated 2025-08-26.

Conditions:
Inborn genetic diseases. Identifiers: MedGen C0950123, MeSH D030342.

Allele frequency attached by ClinVar (database versions not stated): gnomAD 0.00001; gnomAD exomes 0.00001 and 0.00005; TOPMed 0.00002; ESP Exome Variant Server 0.00008.
gnomAD v4.1: 66 of 1,614,050 alleles (0.0041%); highest among the groups gnomAD compares: Non-Finnish European, 0.0055%; no homozygotes.

Submissions (2):

Labcorp Genetics (formerly Invitae), Labcorp
Classification: Uncertain significance. Last evaluated: 2025-08-26. Review status: criteria provided, single submitter. Criteria: Invitae Variant Classification Sherloc (09022015). Collection method: clinical testing. Allele origin: germline.
Comment: This sequence change replaces aspartic acid, which is acidic and polar, with glycine, which is neutral and non-polar, at codon 1546 of the FLNB protein (p.Asp1546Gly). This variant is present in population databases (rs375808451, gnomAD 0.002%). This variant has not been reported in the literature in individuals affected with FLNB-related conditions. ClinVar contains an entry for this variant (Variation ID: 1366648). Invitae Evidence Modeling of protein sequence and biophysical properties (such as structural, functional, and spatial information, amino acid conservation, physicochemical variation, residue mobility, and thermodynamic stability) indicates that this missense variant is not expected to disrupt FLNB protein function with a negative predictive value of 95%. In summary, the available evidence is currently insufficient to determine the role of this variant in disease. Therefore, it has been classified as a Variant of Uncertain Significance.

Ambry Genetics
Classification: Uncertain significance for Inborn genetic diseases. Last evaluated: 2024-10-01. Review status: criteria provided, single submitter. Criteria: Ambry Variant Classification Scheme 2023. Collection method: clinical testing. Allele origin: germline.

NM_001457.4(FLNB):c.4637A>G (p.Asp1546Gly)

Gene: FLNB (filamin B; plus strand). Cytogenetic location: 3p14.3.
Variant type: single nucleotide variant.
Coding change: c.4637A>G on transcript NM_001457.4 (MANE Select); coding-DNA position 4637, A replaced by G.
Protein change: p.Asp1546Gly; replaces aspartic acid 1546 with glycine.
Molecular consequence: missense variant.
Genome position (GRCh38, 1-based): chr3:58,134,738, A>G. VCF-style: chr3-58134738-A-G. GRCh37 (hg19) VCF-style: chr3-58120465-A-G.
Other names: c.4730A>G, p.Asp1577Gly (NM_001164317.2); c.4637A>G, p.Asp1546Gly (NM_001164318.2, NM_001164319.2); c.4637A>G (NM_001457.3); short protein forms D1577G, D1546G.
Identifiers: ClinVar variation 1366648 (VCV001366648.10), dbSNP rs375808451, ClinGen allele CA75458518.